The following is an entry in ClinVar:

ClinVar aggregate classification (germline): Uncertain significance (1 of 4 stars; one submission).

Allele frequency attached by ClinVar (database versions not stated): TOPMed below 0.00001; gnomAD 0.00001; gnomAD exomes 0.00001.
gnomAD v4.1: 7 of 1,567,332 alleles (0.00045%); highest among the groups gnomAD compares: Admixed American, 0.011%; no homozygotes.

Submission:

Labcorp Genetics (formerly Invitae), Labcorp
Classification: Uncertain significance. Last evaluated: 2024-05-13. Review status: criteria provided, single submitter. Criteria: Invitae Variant Classification Sherloc (09022015). Collection method: clinical testing. Allele origin: germline.
Comment: This sequence change replaces serine, which is neutral and polar, with phenylalanine, which is neutral and non-polar, at codon 88 of the DNA2 protein (p.Ser88Phe). This variant is present in population databases (no rsID available, gnomAD 0.004%). This variant has not been reported in the literature in individuals affected with DNA2-related conditions. Advanced modeling of protein sequence and biophysical properties (such as structural, functional, and spatial information, amino acid conservation, physicochemical variation, residue mobility, and thermodynamic stability) performed at Invitae indicates that this missense variant is not expected to disrupt DNA2 protein function with a negative predictive value of 80%. In summary, the available evidence is currently insufficient to determine the role of this variant in disease. Therefore, it has been classified as a Variant of Uncertain Significance.

NM_001080449.3(DNA2):c.263C>T (p.Ser88Phe)

Gene: DNA2 (DNA replication helicase/nuclease 2; minus strand). Cytogenetic location: 10q21.3.
Variant type: single nucleotide variant.
Coding change: c.263C>T on transcript NM_001080449.3 (MANE Select); coding-DNA position 263, C replaced by T.
Protein change: p.Ser88Phe; replaces serine 88 with phenylalanine.
Molecular consequence: missense variant. On other transcripts: non-coding transcript variant (1).
Genome position (GRCh38, 1-based): chr10:68,468,301, G>A on the plus strand (C>T on the coding strand, the complement: DNA2 is on the minus strand). VCF-style: chr10-68468301-G-A. GRCh37 (hg19) VCF-style: chr10-70228058-G-A.
Other names: short protein forms S88F.
Identifiers: ClinVar variation 2971735 (VCV002971735.3), dbSNP rs1315394617, ClinGen allele CA376830453.